The following is an entry in ClinVar:

ClinVar aggregate classification (germline): Likely benign. Review status: criteria provided, multiple submitters, no conflicts (2 of 4 stars). 3 submissions from 3 submitters: Likely benign (3). Last evaluated 2025-10-03.

Allele frequency attached by ClinVar (database versions not stated): ExAC 0.00013; gnomAD exomes 0.00013; ESP Exome Variant Server 0.00031.
gnomAD v4.1: 117 of 1,592,632 alleles (0.0073%); highest among the groups gnomAD compares: South Asian, 0.081%; no homozygotes.

Submissions (3):

Labcorp Genetics (formerly Invitae), Labcorp
Classification: Likely benign. Last evaluated: 2025-10-03. Review status: criteria provided, single submitter. Criteria: Invitae Variant Classification Sherloc (09022015). Collection method: clinical testing. Allele origin: germline.

Blueprint Genetics
Classification: Likely benign. Last evaluated: 2024-10-09. Review status: criteria provided, single submitter. Criteria: ACMG Guidelines, 2015. Collection method: clinical testing. Allele origin: germline.

CeGaT Center for Human Genetics Tuebingen
Classification: Likely benign. Last evaluated: 2023-02-01. Review status: criteria provided, single submitter. Criteria: CeGaT Center For Human Genetics Tuebingen Variant Classification Criteria Version 2. Collection method: clinical testing. Allele origin: germline. Affected: yes. Observed: 1 variant allele.
Comment: PDE6B: BP4, BP7

NM_000283.4(PDE6B):c.1089C>T (p.Asp363=)

Gene: PDE6B (phosphodiesterase 6B; plus strand). Cytogenetic location: 4p16.3.
Variant type: single nucleotide variant.
Coding change: c.1089C>T on transcript NM_000283.4 (MANE Select); coding-DNA position 1089, C replaced by T.
Protein change: p.Asp363=; no amino-acid change (aspartic acid 363 retained).
Molecular consequence: synonymous variant. On other transcripts: intron variant (1).
Genome position (GRCh38, 1-based): chr4:656,274, C>T. VCF-style: chr4-656274-C-T. GRCh37 (hg19) VCF-style: chr4-650063-C-T.
Other names: c.1089C>T, p.Asp363= (NM_001145291.2); c.252C>T, p.Asp84= (NM_001145292.2, NM_001350154.3, NM_001379246.1 and 1 more transcripts); c.-48-600C>T (NM_001350155.3).
Identifiers: ClinVar variation 1576865 (VCV001576865.33), dbSNP rs150360174, ClinGen allele CA2794335.
Genomic context (GRCh38, chr4:656,274, plus strand): 5'-GGATGAAATCGTTTTTCTGATGCTTTTTCAGATTTGTAACATCATGAATGCTTCCGCTGA[C>T]GAAATGTTCAAATTTCAGGTATCTGTCTGTGCCTTGGTAGAAATTATACTTACTTACAAA-3'
Protein context (NP_000274.3, residues 353-373): FICNIMNASA[Asp363=]EMFKFQEGAL